The following is an entry in ClinVar:

ClinVar aggregate classification (germline): Uncertain significance (1 of 4 stars; one submission).

Conditions:
Inborn genetic diseases. Identifiers: MedGen C0950123, MeSH D030342.

Submission:

Ambry Genetics
Classification: Uncertain significance for Inborn genetic diseases. Last evaluated: 2025-07-28. Review status: criteria provided, single submitter. Criteria: Ambry Variant Classification Scheme 2023. Collection method: clinical testing. Allele origin: germline.
Comment: The p.P1171L variant (also known as c.3512C>T), located in coding exon 14 of the FANCM gene, results from a C to T substitution at nucleotide position 3512. The proline at codon 1171 is replaced by leucine, an amino acid with similar properties. This amino acid position is conserved. In addition, this alteration is predicted to be tolerated by in silico analysis. Based on the available evidence, the clinical significance of this variant remains unclear.

NM_020937.4(FANCM):c.3512C>T (p.Pro1171Leu)

Gene: FANCM (FA complementation group M; plus strand). Cytogenetic location: 14q21.2.
Variant type: single nucleotide variant.
Coding change: c.3512C>T on transcript NM_020937.4 (MANE Select); coding-DNA position 3512, C replaced by T.
Protein change: p.Pro1171Leu; replaces proline 1171 with leucine.
Molecular consequence: missense variant.
Genome position (GRCh38, 1-based): chr14:45,176,266, C>T. VCF-style: chr14-45176266-C-T. GRCh37 (hg19) VCF-style: chr14-45645469-C-T.
Other names: c.3434C>T, p.Pro1145Leu (NM_001308133.2); short protein forms P1145L, P1171L.
Identifiers: ClinVar variation 4254619 (VCV004254619.1).